The following is an entry in ClinVar:

NM_000587.4(C7):c.2385G>A (p.Ser795=)

Gene: C7 (complement C7; plus strand). Cytogenetic location: 5p13.1.
Variant type: single nucleotide variant.
Coding change: c.2385G>A on transcript NM_000587.4 (MANE Select); coding-DNA position 2385, G replaced by A.
Protein change: p.Ser795=; no amino-acid change (serine 795 retained).
Molecular consequence: synonymous variant.
Genome position (GRCh38, 1-based): chr5:40,981,426, G>A. VCF-style: chr5-40981426-G-A. GRCh37 (hg19) VCF-style: chr5-40981528-G-A.
Identifiers: ClinVar variation 3049747 (VCV003049747.2), dbSNP rs751682564, ClinGen allele CA3250298.

ClinVar aggregate classification (germline): Likely benign (0 of 4 stars; one submission).

Conditions:
C7-related disorder. Also called: C7-related condition.

Allele frequency attached by ClinVar (database versions not stated): gnomAD 0.00001; gnomAD exomes 0.00001; ExAC 0.00002; TOPMed 0.00002.
gnomAD v4.1: 18 of 1,613,072 alleles (0.0011%); highest among the groups gnomAD compares: Middle Eastern, 0.016%; no homozygotes.

Submission:

PreventionGenetics, part of Exact Sciences
Classification: Likely benign for C7-related condition. Last evaluated: 2019-07-15. Review status: no assertion criteria provided. Collection method: clinical testing. Allele origin: germline.
Comment: This variant is classified as likely benign based on ACMG/AMP sequence variant interpretation guidelines (Richards et al. 2015 PMID: 25741868, with internal and published modifications).